The following is an entry in ClinVar:

NM_007294.4(BRCA1):c.972T>A (p.Ser324Arg)

Gene: BRCA1 (BRCA1 DNA repair associated; minus strand). Cytogenetic location: 17q21.31.
Variant type: single nucleotide variant.
Coding change: c.972T>A on transcript NM_007294.4 (MANE Select); coding-DNA position 972, T replaced by A.
Protein change: p.Ser324Arg; replaces serine 324 with arginine.
Molecular consequence: missense variant. On other transcripts: intron variant (137).
Genome position (GRCh38, 1-based): chr17:43,094,559, A>T on the plus strand (T>A on the coding strand, the complement: BRCA1 is on the minus strand). VCF-style: chr17-43094559-A-T. GRCh37 (hg19) VCF-style: chr17-41246576-A-T.
Other names: c.646+185T>A (NM_001408466.1, NM_001408452.1, NM_001408457.1 and 11 more transcripts); c.523+185T>A (NM_001408497.1, NM_001408496.1, NM_001408500.1 and 3 more transcripts); c.787+185T>A (NM_001407973.1, NM_001407980.1, NM_001407993.1 and 19 more transcripts); c.404-3527T>A (NM_001408511.1); c.520+185T>A (NM_001408505.1, NM_001408503.1, NM_001408504.1); c.460+1287T>A (NM_001408507.1, NM_001408506.1); c.545-3527T>A (NM_001408495.1); c.661+185T>A (NM_001408448.1, NM_001408446.1, NM_001408435.1 and 6 more transcripts); and 40 more; short protein forms S156R, S196R, S197R, S212R, S213R, S235R, S236R, S253R.
Identifiers: ClinVar variation 4856571 (VCV004856571.1).

ClinVar aggregate classification (germline): Likely benign (1 of 4 stars; one submission).

Conditions:
Breast-ovarian cancer, familial, susceptibility to, 1 (BROVCA1). Also called: OVARIAN CANCER, SUSCEPTIBILITY TO; BRCA1 Hereditary Breast and Ovarian Cancer. Identifiers: Orphanet 145, MedGen C2676676, MONDO:0011450, OMIM 604370. Disease mechanism: loss of function.

gnomAD v4.1: 1 of 1,613,938 alleles (0.000062%); highest among the groups gnomAD compares: Non-Finnish European, 0.000085%; no homozygotes.

Submission:

Cancer Bioinformatics and Tumour Evolution Laboratory, Monash University
Classification: Likely benign for Breast-ovarian cancer, familial, susceptibility to, 1. Last evaluated: 2026-05-01. Review status: criteria provided, single submitter. Criteria: ClinGen BRCA1 and BRCA2 Guidelines, 2024. Collection method: curation. Allele origin: germline. Inheritance: Autosomal dominant inheritance.
Comment: Missense variant outside of a functional domain with no splice impact. BRCA1 and BRCA2 VCEP guidelines recommend application of BP1_Strong (PMID: 39142283)